The following is an entry in ClinVar:

NM_000426.4(LAMA2):c.6698T>C (p.Val2233Ala)

Gene: LAMA2 (laminin subunit alpha 2; plus strand). Cytogenetic location: 6q22.33.
Variant type: single nucleotide variant.
Coding change: c.6698T>C on transcript NM_000426.4 (MANE Select); coding-DNA position 6698, T replaced by C.
Protein change: p.Val2233Ala; replaces valine 2233 with alanine.
Molecular consequence: missense variant.
Genome position (GRCh38, 1-based): chr6:129,454,279, T>C. VCF-style: chr6-129454279-T-C. GRCh37 (hg19) VCF-style: chr6-129775424-T-C.
Other names: c.6698T>C, p.Val2233Ala (NM_001079823.2); short protein forms V2233A.
Identifiers: ClinVar variation 1431162 (VCV001431162.3), dbSNP rs770516704, ClinGen allele CA3994334.

ClinVar aggregate classification (germline): Uncertain significance (1 of 4 stars; one submission).

Conditions:
LAMA2-related muscular dystrophy (LAMA2-RD). Also called: Laminin alpha 2-related dystrophy. Identifiers: MedGen C5679788, MONDO:0100228.

Allele frequency attached by ClinVar (database versions not stated): ExAC 0.00001; gnomAD 0.00001; gnomAD exomes 0.00001 and 0.00002; TOPMed 0.00001.
gnomAD v4.1: 24 of 1,611,172 alleles (0.0015%); highest among the groups gnomAD compares: Non-Finnish European, 0.002%; no homozygotes.

Submission:

Labcorp Genetics (formerly Invitae), Labcorp
Classification: Uncertain significance for LAMA2-related muscular dystrophy. Last evaluated: 2021-12-03. Review status: criteria provided, single submitter. Criteria: Invitae Variant Classification Sherloc (09022015). Collection method: clinical testing. Allele origin: germline.
Comment: This sequence change replaces valine, which is neutral and non-polar, with alanine, which is neutral and non-polar, at codon 2233 of the LAMA2 protein (p.Val2233Ala). This variant is present in population databases (rs770516704, gnomAD 0.004%). This variant has not been reported in the literature in individuals affected with LAMA2-related conditions. Advanced modeling of protein sequence and biophysical properties (such as structural, functional, and spatial information, amino acid conservation, physicochemical variation, residue mobility, and thermodynamic stability) performed at Invitae indicates that this missense variant is not expected to disrupt LAMA2 protein function. Algorithms developed to predict the effect of sequence changes on RNA splicing suggest that this variant may create or strengthen a splice site. In summary, the available evidence is currently insufficient to determine the role of this variant in disease. Therefore, it has been classified as a Variant of Uncertain Significance.